The following is an entry in ClinVar:

ClinVar aggregate classification (germline): Uncertain significance. Review status: criteria provided, multiple submitters, no conflicts (2 of 4 stars). 2 submissions from 2 submitters: Uncertain significance (2). Last evaluated 2024-08-30.

Conditions:
Walker-Warburg congenital muscular dystrophy. Also called: Muscular dystrophy-dystroglycanopathy, type A; Walker-Warburg syndrome. Identifiers: Orphanet 899, MedGen C0265221, MONDO:0000171.

Allele frequency attached by ClinVar (database versions not stated): TOPMed below 0.00001.

Submissions (2):

Labcorp Genetics (formerly Invitae), Labcorp
Classification: Uncertain significance for Walker-Warburg congenital muscular dystrophy. Last evaluated: 2024-08-30. Review status: criteria provided, single submitter. Criteria: Invitae Variant Classification Sherloc (09022015). Collection method: clinical testing. Allele origin: germline.
Comment: This sequence change replaces proline, which is neutral and non-polar, with histidine, which is basic and polar, at codon 94 of the FKRP protein (p.Pro94His). This variant is not present in population databases (gnomAD no frequency). This variant has not been reported in the literature in individuals affected with FKRP-related conditions. ClinVar contains an entry for this variant (Variation ID: 1489294). Invitae Evidence Modeling of protein sequence and biophysical properties (such as structural, functional, and spatial information, amino acid conservation, physicochemical variation, residue mobility, and thermodynamic stability) has been performed for this missense variant. However, the output from this modeling did not meet the statistical confidence thresholds required to predict the impact of this variant on FKRP protein function. In summary, the available evidence is currently insufficient to determine the role of this variant in disease. Therefore, it has been classified as a Variant of Uncertain Significance.

Revvity Omics, Revvity
Classification: Uncertain significance. Last evaluated: 2019-04-23. Review status: criteria provided, single submitter. Criteria: ACMG Guidelines, 2015. Collection method: clinical testing. Allele origin: germline.

NM_024301.5(FKRP):c.281C>A (p.Pro94His)

Gene: FKRP (fukutin related protein; plus strand). Cytogenetic location: 19q13.32.
Variant type: single nucleotide variant.
Coding change: c.281C>A on transcript NM_024301.5 (MANE Select); coding-DNA position 281, C replaced by A.
Protein change: p.Pro94His; replaces proline 94 with histidine.
Molecular consequence: missense variant.
Genome position (GRCh38, 1-based): chr19:46,755,731, C>A. VCF-style: chr19-46755731-C-A. GRCh37 (hg19) VCF-style: chr19-47258988-C-A.
Other names: c.281C>A, p.Pro94His (NM_001039885.3); c.281C>A (NM_024301.4); short protein forms P94H.
Identifiers: ClinVar variation 1489294 (VCV001489294.9), dbSNP rs925430989, ClinGen allele CA309099243.